The following is an entry in ClinVar:

NM_024700.4(SNIP1):c.484G>T (p.Gly162Cys)

Genes: SNIP1 (Smad nuclear interacting protein 1; minus strand), LOC126805704 (BRD4-independent group 4 enhancer GRCh37_chr1:38005292-38006491; plus strand). Cytogenetic location: 1p34.3.
Variant type: single nucleotide variant.
Coding change: c.484G>T on transcript NM_024700.4 (MANE Select); coding-DNA position 484, G replaced by T.
Protein change: p.Gly162Cys; replaces glycine 162 with cysteine.
Molecular consequence: missense variant.
Genome position (GRCh38, 1-based): chr1:37,540,599, C>A on the plus strand (G>T on the coding strand, the complement: SNIP1 is on the minus strand). VCF-style: chr1-37540599-C-A. GRCh37 (hg19) VCF-style: chr1-38006200-C-A.
Other names: short protein forms G162C.
Identifiers: ClinVar variation 1059137 (VCV001059137.9), dbSNP rs538745308, ClinGen allele CA771323.
Genomic context (GRCh38, chr1:37,540,599, plus strand): 5'-AAAACTCCCGCTCTTCTTCCTGAGCCTGCAGGTTCTGAGTGTCTCGATCCCGTCCCTGAC[C>A]CTGCCCACTCCCAGGCCTCTCGTTAGACGTTCTCCTTTGGTGGGAATGGCCCCGGTGTCT-3'
Protein context (NP_078976.2, residues 152-172): TSNERPGSGQ[Gly162Cys]QGRDRDTQNL

ClinVar aggregate classification (germline): Uncertain significance (1 of 4 stars; one submission).

Allele frequency attached by ClinVar (database versions not stated): TOPMed 0.00003; 1000 Genomes Project 30x 0.00016; 1000 Genomes Project 0.00020.
gnomAD v4.1: 12 of 1,614,138 alleles (0.00074%); highest among the groups gnomAD compares: African/African-American, 0.011%; no homozygotes.

Submission:

Labcorp Genetics (formerly Invitae), Labcorp
Classification: Uncertain significance. Last evaluated: 2025-07-02. Review status: criteria provided, single submitter. Criteria: Invitae Variant Classification Sherloc (09022015). Collection method: clinical testing. Allele origin: germline.
Comment: This sequence change replaces glycine, which is neutral and non-polar, with cysteine, which is neutral and slightly polar, at codon 162 of the SNIP1 protein (p.Gly162Cys). This variant is present in population databases (rs538745308, gnomAD 0.003%). This variant has not been reported in the literature in individuals affected with SNIP1-related conditions. ClinVar contains an entry for this variant (Variation ID: 1059137). Invitae Evidence Modeling of protein sequence and biophysical properties (such as structural, functional, and spatial information, amino acid conservation, physicochemical variation, residue mobility, and thermodynamic stability) indicates that this missense variant is not expected to disrupt SNIP1 protein function with a negative predictive value of 80%. In summary, the available evidence is currently insufficient to determine the role of this variant in disease. Therefore, it has been classified as a Variant of Uncertain Significance.